The following is an entry in ClinVar:

NM_001256789.3(CACNA1F):c.3932A>C (p.Lys1311Thr)

Gene: CACNA1F (calcium voltage-gated channel subunit alpha1 F; minus strand). Cytogenetic location: Xp11.23.
Variant type: single nucleotide variant.
Coding change: c.3932A>C on transcript NM_001256789.3 (MANE Select); coding-DNA position 3932, A replaced by C.
Protein change: p.Lys1311Thr; replaces lysine 1311 with threonine.
Molecular consequence: missense variant.
Genome position (GRCh38, 1-based): chrX:49,212,677, T>G on the plus strand (A>C on the coding strand, the complement: CACNA1F is on the minus strand). VCF-style: chrX-49212677-T-G. GRCh37 (hg19) VCF-style: chrX-49069137-T-G.
Other names: c.3770A>C, p.Lys1257Thr (NM_001256790.3); c.3965A>C, p.Lys1322Thr (NM_005183.4); short protein forms K1257T, K1311T, K1322T.
Identifiers: ClinVar variation 1678225 (VCV001678225.7), dbSNP rs782023569, ClinGen allele CA412962232.

ClinVar aggregate classification (germline): Uncertain significance. Review status: criteria provided, multiple submitters, no conflicts (2 of 4 stars). 3 submissions from 3 submitters: Uncertain significance (3). Last evaluated 2024-01-15.

gnomAD v4.1: 7 of 1,209,667 alleles (0.00058%); highest among the groups gnomAD compares: Admixed American, 0.015%; no homozygotes.

Submissions (3):

Labcorp Genetics (formerly Invitae), Labcorp
Classification: Uncertain significance. Last evaluated: 2024-01-15. Review status: criteria provided, single submitter. Criteria: Invitae Variant Classification Sherloc (09022015). Collection method: clinical testing. Allele origin: germline.
Comment: This sequence change replaces lysine, which is basic and polar, with threonine, which is neutral and polar, at codon 1322 of the CACNA1F protein (p.Lys1322Thr). The frequency data for this variant in the population databases is considered unreliable, as metrics indicate poor data quality at this position in the gnomAD database. This variant has not been reported in the literature in individuals affected with CACNA1F-related conditions. ClinVar contains an entry for this variant (Variation ID: 1678225). Advanced modeling of protein sequence and biophysical properties (such as structural, functional, and spatial information, amino acid conservation, physicochemical variation, residue mobility, and thermodynamic stability) performed at Invitae indicates that this missense variant is expected to disrupt CACNA1F protein function with a positive predictive value of 80%. In summary, the available evidence is currently insufficient to determine the role of this variant in disease. Therefore, it has been classified as a Variant of Uncertain Significance.

AiLife Diagnostics
Classification: Uncertain significance. Last evaluated: 2020-05-11. Review status: criteria provided, single submitter. Criteria: ACMG Guidelines, 2015. Collection method: clinical testing. Allele origin: germline. Affected: yes. Observed: 1 variant allele.

Breakthrough Genomics
Classification: Uncertain significance. Review status: criteria provided, single submitter. Criteria: ACMG Guidelines, 2015. Collection method: not provided. Allele origin: germline. Inheritance: X-linked inheritance. Affected: yes.